The following is an entry in ClinVar:

NM_020366.4(RPGRIP1):c.1208C>T (p.Ala403Val)

Gene: RPGRIP1 (RPGR interacting protein 1; plus strand). Cytogenetic location: 14q11.2.
Variant type: single nucleotide variant.
Coding change: c.1208C>T on transcript NM_020366.4 (MANE Select); coding-DNA position 1208, C replaced by T.
Protein change: p.Ala403Val; replaces alanine 403 with valine.
Molecular consequence: missense variant.
Genome position (GRCh38, 1-based): chr14:21,317,752, C>T. VCF-style: chr14-21317752-C-T. GRCh37 (hg19) VCF-style: chr14-21785911-C-T.
Other names: c.134C>T, p.Ala45Val (NM_001377523.1, NM_001377948.1, NM_001377949.1 and 1 more transcripts); short protein forms A403V, A45V.
Identifiers: ClinVar variation 883767 (VCV000883767.10), dbSNP rs779216995, ClinGen allele CA7088907.

ClinVar aggregate classification (germline): Uncertain significance. Review status: criteria provided, multiple submitters, no conflicts (2 of 4 stars). 5 submissions from 4 submitters: Uncertain significance (5). Last evaluated 2025-08-21.

Conditions:
Inborn genetic diseases. Identifiers: MedGen C0950123, MeSH D030342.
Cone-rod dystrophy 13 (CORD13). Identifiers: Orphanet 1872, MedGen C2750720, MONDO:0011987, OMIM 608194.
Leber congenital amaurosis 6 (LCA6). Identifiers: Orphanet 65, MedGen C1854260, MONDO:0013446, OMIM 613826.

gnomAD v4.1: 13 of 1,593,628 alleles (0.00082%); highest among the groups gnomAD compares: African/African-American, 0.0027%; no homozygotes.

Submissions (5):

Ambry Genetics
Classification: Uncertain significance for Inborn genetic diseases. Last evaluated: 2025-08-21. Review status: criteria provided, single submitter. Criteria: Ambry Variant Classification Scheme 2023. Collection method: clinical testing. Allele origin: germline.

Labcorp Genetics (formerly Invitae), Labcorp
Classification: Uncertain significance for Leber congenital amaurosis 6; Cone-rod dystrophy 13. Last evaluated: 2022-10-13. Review status: criteria provided, single submitter. Criteria: Invitae Variant Classification Sherloc (09022015). Collection method: clinical testing. Allele origin: germline.
Comment: ClinVar contains an entry for this variant (Variation ID: 883767). This variant has not been reported in the literature in individuals affected with RPGRIP1-related conditions. The frequency data for this variant in the population databases is considered unreliable, as metrics indicate poor data quality at this position in the gnomAD database. This sequence change replaces alanine, which is neutral and non-polar, with valine, which is neutral and non-polar, at codon 403 of the RPGRIP1 protein (p.Ala403Val). Advanced modeling of protein sequence and biophysical properties (such as structural, functional, and spatial information, amino acid conservation, physicochemical variation, residue mobility, and thermodynamic stability) performed at Invitae indicates that this missense variant is not expected to disrupt RPGRIP1 protein function. In summary, the available evidence is currently insufficient to determine the role of this variant in disease. Therefore, it has been classified as a Variant of Uncertain Significance.

Blueprint Genetics
Classification: Uncertain significance. Last evaluated: 2020-02-28. Review status: criteria provided, single submitter. Criteria: ACMG Guidelines, 2015. Collection method: clinical testing. Allele origin: germline.

Illumina Laboratory Services, Illumina
Classification: Uncertain significance for Cone-rod dystrophy 13. Last evaluated: 2018-04-20. Review status: criteria provided, single submitter. Criteria: ICSL Variant Classification Criteria 13 December 2019. Collection method: clinical testing. Allele origin: germline.

Illumina Laboratory Services, Illumina
Classification: Uncertain significance for Leber congenital amaurosis 6. Last evaluated: 2018-04-20. Review status: criteria provided, single submitter. Criteria: ICSL Variant Classification Criteria 13 December 2019. Collection method: clinical testing. Allele origin: germline.